The following is an entry in ClinVar:

ClinVar aggregate classification (germline): Uncertain significance (1 of 4 stars; one submission).

Conditions:
Hereditary cancer-predisposing syndrome. Also called: Neoplastic Syndromes, Hereditary; Tumor predisposition; Hereditary Cancer Syndrome; Hereditary neoplastic syndrome. Identifiers: Orphanet 140162, MedGen C0027672, MeSH D009386, MONDO:0015356.

Submission:

Ambry Genetics
Classification: Uncertain significance for Hereditary cancer-predisposing syndrome. Last evaluated: 2022-06-14. Review status: criteria provided, single submitter. Criteria: Ambry Variant Classification Scheme 2023. Collection method: clinical testing. Allele origin: germline.
Comment: The p.E1385G variant (also known as c.4154A>G), located in coding exon 28 of the SMARCA4 gene, results from an A to G substitution at nucleotide position 4154. The glutamic acid at codon 1385 is replaced by glycine, an amino acid with similar properties. This amino acid position is highly conserved in available vertebrate species. In addition, this alteration is predicted to be deleterious by in silico analysis. Missense and in-frame variants in SMARCA4 are known to cause neurodevelopmental disorders; however, such associations with rhabdoid tumor predisposition syndrome including small cell carcinoma of the ovary-hypercalcemic type (SCCOHT) are exceedingly rare (Kosho T et al. Am J Med Genet C Semin Med Genet. 2014 Sep;166C(3):262-75; Jelinic P et al. Nat Genet. 2014 May;46(5):424-6). Since supporting evidence is limited at this time, the clinical significance of this alteration remains unclear.

NM_003072.5(SMARCA4):c.4154A>G (p.Glu1385Gly)

Gene: SMARCA4 (SWI/SNF related BAF chromatin remodeling complex subunit ATPase 4; plus strand). Cytogenetic location: 19p13.2.
Variant type: single nucleotide variant.
Coding change: c.4154A>G on transcript NM_003072.5 (MANE Select); coding-DNA position 4154, A replaced by G.
Protein change: p.Glu1385Gly; replaces glutamic acid 1385 with glycine.
Molecular consequence: missense variant. On other transcripts: non-coding transcript variant (1).
Genome position (GRCh38, 1-based): chr19:11,035,116, A>G. VCF-style: chr19-11035116-A-G. GRCh37 (hg19) VCF-style: chr19-11145792-A-G.
Other names: c.4154A>G, p.Glu1385Gly (NM_001128844.3, NM_001128849.3, NM_001387283.1); c.4055A>G, p.Glu1352Gly (NM_001128845.2, NM_001128846.2, NM_001128847.4 and 3 more transcripts); short protein forms E1352G, E1385G.
Identifiers: ClinVar variation 1738282 (VCV001738282.2), dbSNP rs2146704089, ClinGen allele CA404068651.